The following is an entry in ClinVar:

ClinVar aggregate classification (germline): Uncertain significance (1 of 4 stars; one submission).

Allele frequency attached by ClinVar (database versions not stated): gnomAD exomes below 0.00001; TOPMed below 0.00001; ExAC 0.00001; gnomAD 0.00001.

Submission:

Labcorp Genetics (formerly Invitae), Labcorp
Classification: Uncertain significance. Last evaluated: 2022-01-01. Review status: criteria provided, single submitter. Criteria: Invitae Variant Classification Sherloc (09022015). Collection method: clinical testing. Allele origin: germline.
Comment: This variant is present in population databases (rs777793513, gnomAD 0.003%). In summary, the available evidence is currently insufficient to determine the role of this variant in disease. Therefore, it has been classified as a Variant of Uncertain Significance. Advanced modeling of protein sequence and biophysical properties (such as structural, functional, and spatial information, amino acid conservation, physicochemical variation, residue mobility, and thermodynamic stability) performed at Invitae indicates that this missense variant is not expected to disrupt MTOR protein function. ClinVar contains an entry for this variant (Variation ID: 408305). This variant has not been reported in the literature in individuals affected with MTOR-related conditions. This sequence change replaces methionine, which is neutral and non-polar, with valine, which is neutral and non-polar, at codon 1724 of the MTOR protein (p.Met1724Val).

NM_004958.4(MTOR):c.5170A>G (p.Met1724Val)

Gene: MTOR (mechanistic target of rapamycin kinase; minus strand). Cytogenetic location: 1p36.22.
Variant type: single nucleotide variant.
Coding change: c.5170A>G on transcript NM_004958.4 (MANE Select); coding-DNA position 5170, A replaced by G.
Protein change: p.Met1724Val; replaces methionine 1724 with valine.
Molecular consequence: missense variant.
Genome position (GRCh38, 1-based): chr1:11,134,427, T>C on the plus strand (A>G on the coding strand, the complement: MTOR is on the minus strand). VCF-style: chr1-11134427-T-C. GRCh37 (hg19) VCF-style: chr1-11194484-T-C.
Other names: c.5170A>G (LRG_734t1); short protein forms M1724V.
Identifiers: ClinVar variation 408305 (VCV000408305.9), dbSNP rs777793513, ClinGen allele CA589425.